The following is an entry in ClinVar:

ClinVar aggregate classification (germline): Uncertain significance. Review status: criteria provided, multiple submitters, no conflicts (2 of 4 stars). 3 submissions from 3 submitters: Uncertain significance (3). Last evaluated 2023-04-11.

Conditions:
Dihydropyrimidine dehydrogenase deficiency (DPYDD). Also called: Hereditary Thymine-Uraciluria; DPD DEFICIENCY; DPYD DEFICIENCY. Identifiers: Orphanet 1675, MedGen C1959620, MONDO:0010130, OMIM 274270.

Allele frequency attached by ClinVar (database versions not stated): TOPMed 0.00042; gnomAD 0.00032; 1000 Genomes Project 30x 0.00016; 1000 Genomes Project 0.00020; ESP Exome Variant Server 0.00054.
gnomAD v4.1: 145 of 1,612,054 alleles (0.009%); highest among the groups gnomAD compares: African/African-American, 0.19%; no homozygotes.

Submissions (3):

Genome-Nilou Lab
Classification: Uncertain significance for Dihydropyrimidine dehydrogenase deficiency. Last evaluated: 2023-04-11. Review status: criteria provided, single submitter. Criteria: ACMG Guidelines, 2015. Collection method: clinical testing. Allele origin: germline. Affected: no.

Women's Health and Genetics/Laboratory Corporation of America, LabCorp
Classification: Uncertain significance. Last evaluated: 2020-03-19. Review status: criteria provided, single submitter. Criteria: LabCorp Variant Classification Summary - May 2015. Collection method: clinical testing. Allele origin: germline.
Comment: Variant summary: DPYD c.2180-11G>A alters a non-conserved nucleotide located close to a canonical splice site and therefore could affect mRNA splicing, leading to a significantly altered protein sequence. 4/4 computational tools predict no significant impact on normal splicing. However, these predictions have yet to be confirmed by functional studies. The variant allele was found at a frequency of 0.00011 in 250966 control chromosomes, predominantly at a frequency of 0.0016 within the African or African-American subpopulation in the gnomAD database. This frequency is not significantly higher than expected for a pathogenic variant in DPYD causing Dihydropyrimidine Dehydrogenase Deficiency (0.0016 vs 0.0025), allowing no conclusion about variant significance. To our knowledge, no occurrence of c.2180-11G>A in individuals affected with Dihydropyrimidine Dehydrogenase Deficiency and no experimental evidence demonstrating its impact on protein function have been reported. A ClinVar submitter (evaluation after 2014) cites the variant as uncertain significance. Based on the evidence outlined above, the variant was classified as uncertain significance.

Illumina Laboratory Services, Illumina
Classification: Uncertain significance for Dihydropyrimidine dehydrogenase deficiency. Last evaluated: 2018-01-13. Review status: criteria provided, single submitter. Criteria: ICSL Variant Classification Criteria 13 December 2019. Collection method: clinical testing. Allele origin: germline.

NM_000110.4(DPYD):c.2180-11G>A

Genes: DPYD (dihydropyrimidine dehydrogenase; minus strand), DPYD-AS1 (DPYD antisense RNA 1; plus strand). Cytogenetic location: 1p21.3.
Variant type: single nucleotide variant.
Coding change: c.2180-11G>A on transcript NM_000110.4 (MANE Select); 11 bases into the intron before coding-DNA position 2180, G replaced by A.
Molecular consequence: intron variant.
Genome position (GRCh38, 1-based): chr1:97,305,389, C>T on the plus strand (G>A on the coding strand, the complement: DPYD is on the minus strand). VCF-style: chr1-97305389-C-T. GRCh37 (hg19) VCF-style: chr1-97770945-C-T.
Identifiers: ClinVar variation 298285 (VCV000298285.7), dbSNP rs377136032, ClinGen allele CA963093.